The following is an entry in ClinVar:

ClinVar aggregate classification (germline): Uncertain significance (1 of 4 stars; one submission).

Conditions:
Neuropathy, hereditary sensory and autonomic, type 2A (HSAN2A). Also called: HSAN IIA; ACROOSTEOLYSIS, GIACCAI TYPE; ACROOSTEOLYSIS, NEUROGENIC; WNK1-Related HSAN2 (HSAN2A); MORVAN DISEASE; NEUROPATHY, CONGENITAL SENSORY. Identifiers: Orphanet 970, MedGen C2752089, MONDO:0024309, OMIM 201300.
Pseudohypoaldosteronism type 2C (PHA2C). Also called: Pseudohypoaldosteronism Type IIC. Identifiers: Orphanet 757, Orphanet 88940, MedGen C1840391, MONDO:0013778, OMIM 614492.

Submission:

Labcorp Genetics (formerly Invitae), Labcorp
Classification: Uncertain significance for Neuropathy, hereditary sensory and autonomic, type 2A; Pseudohypoaldosteronism type 2C. Last evaluated: 2020-02-14. Review status: criteria provided, single submitter. Criteria: Invitae Variant Classification Sherloc (09022015). Collection method: clinical testing. Allele origin: germline.
Comment: In summary, the available evidence is currently insufficient to determine the role of this variant in disease. Therefore, it has been classified as a Variant of Uncertain Significance. This variant has not been reported in the literature in individuals with WNK1-related disease. A gross duplication of the genomic region encompassing the full coding sequence of the WNK1 gene has been identified. The boundaries of this event are unknown as the duplication extends beyond the assayed region for this gene and therefore may encompass additional genes. As the precise location of this duplication is unknown, it may be in tandem or it may be located elsewhere in the genome.

NC_000012.11:g.(?_862712)_(1017978_?)dup

Genes: WNK1 (WNK lysine deficient protein kinase 1; plus strand), LOC130007152 (ATAC-STARR-seq lymphoblastoid active region 5792; plus strand), LOC130007151 (ATAC-STARR-seq lymphoblastoid active region 5791; plus strand). Cytogenetic location: 12p13.33.
Variant type: Duplication.
Identifiers: ClinVar variation 583869 (VCV000583869.7).